The following is an entry in ClinVar:

ClinVar aggregate classification (germline): Uncertain significance. Review status: criteria provided, multiple submitters, no conflicts (2 of 4 stars). 2 submissions from 2 submitters: Uncertain significance (2). Last evaluated 2026-06-08.

gnomAD v4.1: 1 of 1,550,028 alleles (0.000065%); highest among the groups gnomAD compares: Non-Finnish European, 0.000087%; no homozygotes.

Submissions (2):

Women's Health and Genetics/Laboratory Corporation of America, LabCorp
Classification: Uncertain significance. Last evaluated: 2026-06-08. Review status: criteria provided, single submitter. Criteria: LabCorp Variant Classification Summary - May 2015. Collection method: clinical testing. Allele origin: germline.

Labcorp Genetics (formerly Invitae), Labcorp
Classification: Uncertain significance. Last evaluated: 2021-11-18. Review status: criteria provided, single submitter. Criteria: Invitae Variant Classification Sherloc (09022015). Collection method: clinical testing. Allele origin: germline.
Comment: Algorithms developed to predict the effect of missense changes on protein structure and function output the following: SIFT: "Tolerated"; PolyPhen-2: "Probably Damaging"; Align-GVGD: "Class C0". The alanine amino acid residue is found in multiple mammalian species, which suggests that this missense change does not adversely affect protein function. In summary, the available evidence is currently insufficient to determine the role of this variant in disease. Therefore, it has been classified as a Variant of Uncertain Significance. This variant has not been reported in the literature in individuals affected with ZNF469-related conditions. This variant is not present in population databases (gnomAD no frequency). This sequence change replaces proline, which is neutral and non-polar, with alanine, which is neutral and non-polar, at codon 397 of the ZNF469 protein (p.Pro397Ala).

NM_001367624.2(ZNF469):c.1189C>G (p.Pro397Ala)

Gene: ZNF469 (zinc finger protein 469; plus strand). Cytogenetic location: 16q24.2.
Variant type: single nucleotide variant.
Coding change: c.1189C>G on transcript NM_001367624.2 (MANE Select); coding-DNA position 1189, C replaced by G.
Protein change: p.Pro397Ala; replaces proline 397 with alanine.
Molecular consequence: missense variant.
Genome position (GRCh38, 1-based): chr16:88,428,659, C>G. VCF-style: chr16-88428659-C-G. GRCh37 (hg19) VCF-style: chr16-88495067-C-G.
Other names: short protein forms P397A.
Identifiers: ClinVar variation 1479224 (VCV001479224.7), dbSNP rs754305342, ClinGen allele CA397063651.